The following is an entry in ClinVar:

NM_006904.7(PRKDC):c.1182G>C (p.Gln394His)

Gene: PRKDC (protein kinase, DNA-activated, catalytic subunit; minus strand). Cytogenetic location: 8q11.21.
Variant type: single nucleotide variant.
Coding change: c.1182G>C on transcript NM_006904.7 (MANE Select); coding-DNA position 1182, G replaced by C.
Protein change: p.Gln394His; replaces glutamine 394 with histidine.
Molecular consequence: missense variant.
Genome position (GRCh38, 1-based): chr8:47,936,449, C>G on the plus strand (G>C on the coding strand, the complement: PRKDC is on the minus strand). VCF-style: chr8-47936449-C-G. GRCh37 (hg19) VCF-style: chr8-48849009-C-G.
Other names: c.1182G>C, p.Gln394His (NM_001081640.2); short protein forms Q394H.
Identifiers: ClinVar variation 1742599 (VCV001742599.2), dbSNP rs773553251, ClinGen allele CA4741795.

ClinVar aggregate classification (germline): Uncertain significance (1 of 4 stars; one submission).

Allele frequency attached by ClinVar (database versions not stated): ExAC 0.00001; gnomAD 0.00001; gnomAD exomes 0.00001.
gnomAD v4.1: 8 of 1,613,932 alleles (0.0005%); no homozygotes.

Submission:

Ambry Genetics
Classification: Uncertain significance. Last evaluated: 2021-08-02. Review status: criteria provided, single submitter. Criteria: Ambry Variant Classification Scheme 2023. Collection method: clinical testing. Allele origin: germline.
Comment: The p.Q394H variant (also known as c.1182G>C), located in coding exon 12 of the PRKDC gene, results from a G to C substitution at nucleotide position 1182. The glutamine at codon 394 is replaced by histidine, an amino acid with highly similar properties. This amino acid position is conserved. In addition, this alteration is predicted to be tolerated by in silico analysis. Since supporting evidence is limited at this time, the clinical significance of this alteration remains unclear.